The following is an entry in ClinVar:

ClinVar aggregate classification (germline): Uncertain significance (1 of 4 stars; one submission).

Allele frequency attached by ClinVar (database versions not stated): gnomAD exomes below 0.00001.
gnomAD v4.1: 3 of 1,613,106 alleles (0.00019%); highest among the groups gnomAD compares: Non-Finnish European, 0.00017%; no homozygotes.

Submission:

Labcorp Genetics (formerly Invitae), Labcorp
Classification: Uncertain significance. Last evaluated: 2024-04-22. Review status: criteria provided, single submitter. Criteria: Invitae Variant Classification Sherloc (09022015). Collection method: clinical testing. Allele origin: germline.
Comment: This sequence change replaces arginine, which is basic and polar, with histidine, which is basic and polar, at codon 746 of the CELSR2 protein (p.Arg746His). This variant is not present in population databases (gnomAD no frequency). This variant has not been reported in the literature in individuals affected with CELSR2-related conditions. ClinVar contains an entry for this variant (Variation ID: 2183702). Advanced modeling of protein sequence and biophysical properties (such as structural, functional, and spatial information, amino acid conservation, physicochemical variation, residue mobility, and thermodynamic stability) performed at Invitae indicates that this missense variant is expected to disrupt CELSR2 protein function with a positive predictive value of 80%. In summary, the available evidence is currently insufficient to determine the role of this variant in disease. Therefore, it has been classified as a Variant of Uncertain Significance.

NM_001408.3(CELSR2):c.2237G>A (p.Arg746His)

Gene: CELSR2 (cadherin EGF LAG seven-pass G-type receptor 2; plus strand). Cytogenetic location: 1p13.3.
Variant type: single nucleotide variant.
Coding change: c.2237G>A on transcript NM_001408.3 (MANE Select); coding-DNA position 2237, G replaced by A.
Protein change: p.Arg746His; replaces arginine 746 with histidine.
Molecular consequence: missense variant.
Genome position (GRCh38, 1-based): chr1:109,252,316, G>A. VCF-style: chr1-109252316-G-A. GRCh37 (hg19) VCF-style: chr1-109794938-G-A.
Other names: short protein forms R746H.
Identifiers: ClinVar variation 2183702 (VCV002183702.4), dbSNP rs202175893, ClinGen allele CA28620832.
Genomic context (GRCh38, chr1:109,252,316, plus strand): 5'-CGGCAGGCACCACGGTGGTGCTGATCAGCGCCACGGATGAGGACACAGGTGAGAATGCCC[G>A]CATCACCTACTTCATGGAGGACAGCATCCCCCAGTTCCGCATCGATGCAGACACGGGGGC-3'
Protein context (NP_001399.1, residues 736-756): ATDEDTGENA[Arg746His]ITYFMEDSIP